The following is an entry in ClinVar:

NM_001378454.1(ALMS1):c.8653C>T (p.Arg2885Ter)

Gene: ALMS1 (ALMS1 centrosome and basal body associated protein; plus strand). Cytogenetic location: 2p13.1.
Variant type: single nucleotide variant.
Coding change: c.8653C>T on transcript NM_001378454.1 (MANE Select); coding-DNA position 8653, C replaced by T.
Protein change: p.Arg2885Ter; replaces arginine 2885 with a stop codon.
Molecular consequence: nonsense.
Genome position (GRCh38, 1-based): chr2:73,490,612, C>T. VCF-style: chr2-73490612-C-T. GRCh37 (hg19) VCF-style: chr2-73717739-C-T.
Other names: c.8656C>T, p.Arg2886Ter (NM_015120.4); short protein forms R2885*, R2886*.
Identifiers: ClinVar variation 1071885 (VCV001071885.12), dbSNP rs776563011, ClinGen allele CA1714510.

ClinVar aggregate classification (germline): Pathogenic. Review status: criteria provided, multiple submitters, no conflicts (2 of 4 stars). 3 submissions from 3 submitters: Pathogenic (2). 1 of the submissions does not count toward it. Last evaluated 2024-09-25.

Conditions:
Alstrom syndrome (ALMS). Identifiers: Orphanet 64, MedGen C0268425, MONDO:0008763, OMIM 203800.

Allele frequency attached by ClinVar (database versions not stated): gnomAD exomes below 0.00001; ExAC 0.00001; gnomAD 0.00001; TOPMed 0.00001.
gnomAD v4.1: 4 of 1,614,030 alleles (0.00025%); highest among the groups gnomAD compares: East Asian, 0.0022%; no homozygotes.

Submissions (3):

Labcorp Genetics (formerly Invitae), Labcorp
Classification: Pathogenic for Alstrom syndrome. Last evaluated: 2024-09-25. Review status: criteria provided, single submitter. Criteria: Invitae Variant Classification Sherloc (09022015). Collection method: clinical testing. Allele origin: germline.
Comment: This sequence change creates a premature translational stop signal (p.Arg2886*) in the ALMS1 gene. It is expected to result in an absent or disrupted protein product. Loss-of-function variants in ALMS1 are known to be pathogenic (PMID: 17594715). This variant is present in population databases (rs776563011, gnomAD 0.007%). This premature translational stop signal has been observed in individual(s) with Alstrom syndrome (PMID: 17594715). ClinVar contains an entry for this variant (Variation ID: 1071885). For these reasons, this variant has been classified as Pathogenic.

Institute of Human Genetics, University of Leipzig Medical Center
Classification: Pathogenic for Alstrom syndrome. Last evaluated: 2021-07-26. Review status: criteria provided, single submitter. Criteria: ACMG Guidelines, 2015. Collection method: clinical testing. Allele origin: unknown. Affected: yes.
Comment: This variant was identified as compound heterozygous with cDNA change: NM_015120.4:c.11313_11316del

Natera, Inc.
Classification: Pathogenic for Alstrom syndrome. Last evaluated: 2020-06-17. Review status: no assertion criteria provided. Collection method: clinical testing. Allele origin: germline. Not counted in ClinVar's aggregate classification.

Literature cited by the submitters: PubMed 17594715 (cited by Labcorp Genetics (formerly Invitae), Labcorp).